The following is an entry in ClinVar:

NM_022829.6(SLC13A3):c.121T>G (p.Cys41Gly)

Gene: SLC13A3 (solute carrier family 13 member 3; minus strand). Cytogenetic location: 20q13.12.
Variant type: single nucleotide variant.
Coding change: c.121T>G on transcript NM_022829.6 (MANE Select); coding-DNA position 121, T replaced by G.
Protein change: p.Cys41Gly; replaces cysteine 41 with glycine.
Molecular consequence: missense variant. On other transcripts: 5 prime UTR variant (2), intron variant (1).
Genome position (GRCh38, 1-based): chr20:46,613,716, A>C on the plus strand (T>G on the coding strand, the complement: SLC13A3 is on the minus strand). VCF-style: chr20-46613716-A-C. GRCh37 (hg19) VCF-style: chr20-45242355-A-C.
Other names: c.-21T>G (NM_001011554.3, NM_001193340.2); c.121T>G, p.Cys41Gly (NM_001193339.2); c.-10-164T>G (NM_001193342.2); short protein forms C41G.
Identifiers: ClinVar variation 1420529 (VCV001420529.6), dbSNP rs144600005, ClinGen allele CA9891712.
Genomic context (GRCh38, chr20:46,613,716, plus strand): 5'-CTGAGAGCGGCAGGGCCTCCGTGCACCAGTACACCGCCATGAGCAGGATGACAAACAAGC[A>C]GCGGCCTTCCTGCAGGAGGAGATGCATGCTCAGAGGGTCAGCGGGGCTCGGGGCAGAAGG-3'
Protein context (NP_073740.2, residues 31-51): VFALPPKEGR[Cys41Gly]LFVILLMAVY

ClinVar aggregate classification (germline): Uncertain significance (1 of 4 stars; one submission).

Allele frequency attached by ClinVar (database versions not stated): gnomAD exomes 0.00008 and 0.00015; ExAC 0.00026; 1000 Genomes Project 0.00040; gnomAD 0.00040 and 0.00044; TOPMed 0.00045; ESP Exome Variant Server 0.00054; 1000 Genomes Project 30x 0.00062.
gnomAD v4.1: 174 of 1,599,386 alleles (0.011%); highest among the groups gnomAD compares: African/African-American, 0.18%; 2 homozygotes.

Submission:

Labcorp Genetics (formerly Invitae), Labcorp
Classification: Uncertain significance. Last evaluated: 2023-11-27. Review status: criteria provided, single submitter. Criteria: Invitae Variant Classification Sherloc (09022015). Collection method: clinical testing. Allele origin: germline.
Comment: This sequence change replaces cysteine, which is neutral and slightly polar, with glycine, which is neutral and non-polar, at codon 41 of the SLC13A3 protein (p.Cys41Gly). This variant is present in population databases (rs144600005, gnomAD 0.2%), and has an allele count higher than expected for a pathogenic variant. This variant has not been reported in the literature in individuals affected with SLC13A3-related conditions. ClinVar contains an entry for this variant (Variation ID: 1420529). Advanced modeling of protein sequence and biophysical properties (such as structural, functional, and spatial information, amino acid conservation, physicochemical variation, residue mobility, and thermodynamic stability) performed at Invitae indicates that this missense variant is not expected to disrupt SLC13A3 protein function with a negative predictive value of 80%. In summary, the available evidence is currently insufficient to determine the role of this variant in disease. Therefore, it has been classified as a Variant of Uncertain Significance.